The following is an entry in ClinVar:

ClinVar aggregate classification (germline): Uncertain significance. Review status: criteria provided, multiple submitters, no conflicts (2 of 4 stars). 3 submissions from 3 submitters: Uncertain significance (2). 1 of the submissions does not count toward it. Last evaluated 2023-11-13.

Conditions:
Retinal dystrophy. Also called: Inherited retinal dystrophy. Identifiers: Orphanet 71862, MedGen C0854723, MeSH D058499, MONDO:0019118, HP:0000556.

gnomAD v4.1: 2 of 1,610,962 alleles (0.00012%); highest among the groups gnomAD compares: Non-Finnish European, 0.00017%; no homozygotes.

Submissions (3):

Labcorp Genetics (formerly Invitae), Labcorp
Classification: Uncertain significance. Last evaluated: 2023-11-13. Review status: criteria provided, single submitter. Criteria: Invitae Variant Classification Sherloc (09022015). Collection method: clinical testing. Allele origin: germline.
Comment: This sequence change replaces glutamic acid, which is acidic and polar, with lysine, which is basic and polar, at codon 595 of the EMC1 protein (p.Glu595Lys). This variant is not present in population databases (gnomAD no frequency). This variant has not been reported in the literature in individuals affected with EMC1-related conditions. Algorithms developed to predict the effect of missense changes on protein structure and function output the following: SIFT: "Not Available"; PolyPhen-2: "Benign"; Align-GVGD: "Not Available". The lysine amino acid residue is found in multiple mammalian species, which suggests that this missense change does not adversely affect protein function. Algorithms developed to predict the effect of sequence changes on RNA splicing suggest that this variant may disrupt the consensus splice site. In summary, the available evidence is currently insufficient to determine the role of this variant in disease. Therefore, it has been classified as a Variant of Uncertain Significance.

Blueprint Genetics
Classification: Uncertain significance. Last evaluated: 2019-08-29. Review status: criteria provided, single submitter. Criteria: ACMG Guidelines, 2015. Collection method: clinical testing. Allele origin: germline.

Institute of Human Genetics, Univ. Regensburg, Univ. Regensburg
Classification: Uncertain significance for Retinal dystrophy. Last evaluated: 2022-01-01. Review status: no assertion criteria provided. Criteria: ACMG Guidelines, 2015. Collection method: clinical testing. Allele origin: germline. Affected: yes. Not counted in ClinVar's aggregate classification.

NM_015047.3(EMC1):c.1783G>A (p.Glu595Lys)

Genes: EMC1 (ER membrane protein complex subunit 1; minus strand), EMC1-AS1 (EMC1 antisense RNA 1; plus strand). Cytogenetic location: 1p36.13.
Variant type: single nucleotide variant.
Coding change: c.1783G>A on transcript NM_015047.3 (MANE Select); coding-DNA position 1783, G replaced by A.
Protein change: p.Glu595Lys; replaces glutamic acid 595 with lysine.
Molecular consequence: missense variant.
Genome position (GRCh38, 1-based): chr1:19,231,422, C>T on the plus strand (G>A on the coding strand, the complement: EMC1 is on the minus strand). VCF-style: chr1-19231422-C-T. GRCh37 (hg19) VCF-style: chr1-19557916-C-T.
Other names: c.1780G>A, p.Glu594Lys (NM_001271427.2, NM_001271428.2); c.1717G>A, p.Glu573Lys (NM_001271429.2); c.1792G>A, p.Glu598Lys (NM_001375820.1); c.1789G>A, p.Glu597Lys (NM_001375821.1); short protein forms E573K, E594K, E595K, E597K, E598K.
Identifiers: ClinVar variation 2777845 (VCV002777845.5), dbSNP rs1243362241, ClinGen allele CA338760083.